The following is an entry in ClinVar:

ClinVar aggregate classification (germline): Likely benign (1 of 4 stars; one submission).

Allele frequency attached by ClinVar (database versions not stated): gnomAD 0.00001 and 0.00002; TOPMed 0.00005; 1000 Genomes Project 30x 0.00016; 1000 Genomes Project 0.00020.
gnomAD v4.1: 3 of 152,260 alleles (0.002%); highest among the groups gnomAD compares: Admixed American, 0.0065%; no homozygotes.

Submission:

GeneDx
Classification: Likely benign. Last evaluated: 2016-11-17. Review status: criteria provided, single submitter. Criteria: GeneDx Variant Classification (06012015). Collection method: clinical testing. Allele origin: germline. Affected: yes.
Comment: This variant is considered likely benign or benign based on one or more of the following criteria: it is a conservative change, it occurs at a poorly conserved position in the protein, it is predicted to be benign by multiple in silico algorithms, and/or has population frequency not consistent with disease.

NM_053025.4(MYLK):c.-127+7G>A

Gene: MYLK (myosin light chain kinase; minus strand). Cytogenetic location: 3q21.1.
Variant type: single nucleotide variant.
Coding change: c.-127+7G>A on transcript NM_053025.4 (MANE Select); 7 bases into the intron after 127 bases upstream of the start codon, G replaced by A.
Molecular consequence: intron variant.
Genome position (GRCh38, 1-based): chr3:123,876,552, C>T on the plus strand (G>A on the coding strand, the complement: MYLK is on the minus strand). VCF-style: chr3-123876552-C-T. GRCh37 (hg19) VCF-style: chr3-123595399-C-T.
Other names: c.-447+7G>A (NM_001321309.2); c.-127+7G>A (NM_053028.4, NM_053026.4, NM_053027.4).
Identifiers: ClinVar variation 390961 (VCV000390961.1), dbSNP rs186567565, ClinGen allele CA16604357.